The following is an entry in ClinVar:

ClinVar aggregate classification (germline): Uncertain significance (1 of 4 stars; one submission).

Submission:

GeneDx
Classification: Uncertain significance. Last evaluated: 2023-01-05. Review status: criteria provided, single submitter. Criteria: GeneDx Variant Classification Process June 2021. Collection method: clinical testing. Allele origin: germline. Affected: yes.
Comment: Not observed at significant frequency in large population cohorts (gnomAD); In silico analysis supports that this missense variant does not alter protein structure/function; Has not been previously published as pathogenic or benign to our knowledge

NM_001395656.1(ROBO2):c.3508C>A (p.Gln1170Lys)

Gene: ROBO2 (roundabout guidance receptor 2; plus strand). Cytogenetic location: 3p12.3.
Variant type: single nucleotide variant.
Coding change: c.3508C>A on transcript NM_001395656.1 (MANE Select); coding-DNA position 3508, C replaced by A.
Protein change: p.Gln1170Lys; replaces glutamine 1170 with lysine.
Molecular consequence: missense variant.
Genome position (GRCh38, 1-based): chr3:77,617,715, C>A. VCF-style: chr3-77617715-C-A. GRCh37 (hg19) VCF-style: chr3-77666866-C-A.
Other names: c.3544C>A, p.Gln1182Lys (NM_001128929.3); c.3508C>A, p.Gln1170Lys (NM_001290039.2, NM_001290040.2); c.1717C>A, p.Gln573Lys (NM_001290065.2); c.3556C>A, p.Gln1186Lys (NM_001378190.1, NM_001378200.1, NM_001378201.1 and 1 more transcripts); c.3682C>A, p.Gln1228Lys (NM_001378191.1, NM_001378195.1, NM_001378196.1); c.3577C>A, p.Gln1193Lys (NM_001378192.1, NM_001378198.1, NM_001378199.1); c.3496C>A, p.Gln1166Lys (NM_001378193.1, NM_002942.5); c.3694C>A, p.Gln1232Lys (NM_001378194.1); and 5 more; short protein forms Q1166K, Q1167K, Q1170K, Q1182K, Q1186K, Q1189K, Q1193K, Q1208K.
Identifiers: ClinVar variation 2571885 (VCV002571885.1), dbSNP rs2471754470, ClinGen allele CA353531734.
Genomic context (GRCh38, chr3:77,617,715, plus strand): 5'-GGACAGCAGTCCACTGCAACTCTTACTCCATCCCCACGGGAAGAGATGCAACCCATGCTG[C>A]AGGCTCACCTGGATGAGTTGACAAGAGCCTATCAGTTTGATATAGCAAAACAAACATGGT-3'
Protein context (NP_001382585.1, residues 1160-1180): SPREEMQPML[Gln1170Lys]AHLDELTRAY